The following is an entry in ClinVar:

ClinVar aggregate classification (germline): Likely pathogenic (1 of 4 stars; one submission).

Conditions:
Fabry disease. Also called: ALPHA-GALACTOSIDASE A DEFICIENCY; ANDERSON-FABRY DISEASE; CERAMIDE TRIHEXOSIDASE DEFICIENCY; GLA DEFICIENCY; HEREDITARY DYSTOPIC LIPIDOSIS; Angiokeratoma corporis diffusum. Identifiers: Orphanet 324, MedGen C0002986, MONDO:0010526, OMIM 301500, HP:0001071. Disease mechanism: Fabry disease is due to inactivating mutations in the X-linked GLA gene resulting in deficiency of the enzyme Alpha Galactosidase-A., loss of function.

Submission:

Genomenon, Inc
Classification: Likely pathogenic for Fabry disease. Last evaluated: 2026-09-08. Review status: criteria provided, single submitter. Criteria: Genomenon Sequence Variant Interpretation Standards - Updated. Collection method: curation. Allele origin: germline. Affected: yes.
Comment: GLA p.Asp33His (c.97G>C) is a missense variant that changes the amino acid at codon 33 from Aspartic acid to Histidine. This variant has been observed in at least one proband with clinical features consistent with Fabry disease (PMID:32843101). Functional or patient cell studies have been reported (PMID:32843101). The presence of pathogenic/likely pathogenic missense variant(s) at the same amino acid position indicates that this residue is likely important for protein function. It is absent or not present at a significant frequency in gnomAD. In silico models predict that this variant is possibly or probably damaging. In conclusion, we classify GLA p.Asp33His (c.97G>C) as a likely pathogenic variant.

Literature cited by the submitters: PubMed 32843101.

NM_000169.3(GLA):c.97G>C (p.Asp33His)

Genes: GLA (galactosidase alpha; minus strand), RPL36A-HNRNPH2 (RPL36A-HNRNPH2 readthrough; plus strand). Cytogenetic location: Xq22.1.
Variant type: single nucleotide variant.
Coding change: c.97G>C on transcript NM_000169.3 (MANE Select); coding-DNA position 97, G replaced by C.
Protein change: p.Asp33His; replaces aspartic acid 33 with histidine.
Molecular consequence: missense variant. On other transcripts: non-coding transcript variant (3), intron variant (2).
Genome position (GRCh38, 1-based): chrX:101,407,807, C>G on the plus strand (G>C on the coding strand, the complement: GLA is on the minus strand). VCF-style: chrX-101407807-C-G. GRCh37 (hg19) VCF-style: chrX-100662795-C-G.
Other names: c.97G>C, p.Asp33His (NM_001406747.1, NM_001406748.1, NM_001406749.1); c.301-4129C>G (NM_001199973.2); c.178-4129C>G (NM_001199974.2); short protein forms D33H.
Identifiers: ClinVar variation 4087434 (VCV004087434.2).